The following is an entry in ClinVar:

NM_080647.1(TBX1):c.3_27dup (p.Met10fs)

Gene: TBX1 (T-box transcription factor 1; plus strand). Cytogenetic location: 22q11.21.
Variant type: Duplication.
Coding change: c.3_27dup on transcript NM_080647.1; coding-DNA positions 3 to 27, 25 bases duplicated (GCACTTCAGCACCGTCACCAGGGAC).
Protein change: p.Met10fs; shifts the reading frame from methionine 10.
Molecular consequence: frameshift variant, initiator codon variant.
Genome position (GRCh38, 1-based): chr22:19,759,646-19,759,670, GCACTTCAGCACCGTCACCAGGGAC duplicated. VCF-style (leftmost placement, unchanged base first): chr22-19759645-T-TGCACTTCAGCACCGTCACCAGGGAC. GRCh37 (hg19) VCF-style: chr22-19747168-T-TGCACTTCAGCACCGTCACCAGGGAC.
Other names: c.3_27dup, p.Met10fs (NM_005992.1, NM_080646.2); short protein forms M10fs.
Identifiers: ClinVar variation 4075816 (VCV004075816.1).

ClinVar aggregate classification (germline): Pathogenic (1 of 4 stars; one submission).

Conditions:
Hypertrophic cardiomyopathy. Also called: HYPERTROPHIC MYOCARDIOPATHY. Identifiers: Orphanet 217569, MedGen C0007194, MeSH D002312, MONDO:0005045, HP:0001639.

Submission:

Department of Medical Genetics, Yunnan Provincial Key Laboratory for Birth Defects and Genetic Diseases, The First People’s Hospital of Yunnan Province
Classification: Pathogenic for Hypertrophic cardiomyopathy. Last evaluated: 2023-03-15. Review status: criteria provided, single submitter. Criteria: ACMG Guidelines, 2015. Collection method: clinical testing. Allele origin: germline. Inheritance: Autosomal dominant inheritance. Affected: yes. Observed: 3 heterozygotes. Clinical features observed: Left ventricular hypertrophy (HP:0001712), Ventricular septal hypertrophy (HP:0005144), Chest tightness (HP:0031352), Exertional dyspnea (HP:0002875), Left ventricular systolic dysfunction (HP:0025169), Sinus tachycardia (HP:0011703), Congestive heart failure (HP:0001635), Left ventricular diastolic dysfunction (HP:0025168).
Comment: The variant TBX1 (NM_080647.1):c.3_27dup (p.Met10Alafs*167) is a frameshift mutation resulting in a premature termination codon. Specifically, this alteration initiates a shift in the amino acid sequence starting at position 10, where methionine is replaced by alanine. The frameshift may ultimately lead to the production of a truncated and likely nonfunctional TBX1 protein. Notably, this variant is absent in public databases, including the 1000 Genomes Project, ExAC, gnomAD, ClinVar, and HGMD. Furthermore, the mutation demonstrates co-segregation with the disease phenotype within the family, supporting its pathogenic relevance.